The following is an entry in ClinVar:

NM_201384.3(PLEC):c.6846_6875del (p.Ser2284_Leu2293del)

Gene: PLEC (plectin; minus strand). Cytogenetic location: 8q24.3.
Variant type: Deletion.
Coding change: c.6846_6875del on transcript NM_201384.3 (MANE Select); coding-DNA positions 6846 to 6875, 30 bases deleted (GCTGAGTGTGGCGGCCCAAGAGGCTGCGCG).
Protein change: p.Ser2284_Leu2293del.
Molecular consequence: inframe deletion.
Genome position (GRCh38, 1-based): chr8:143,923,054-143,923,083, CGCGCAGCCTCTTGGGCCGCCACACTCAGC deleted on the plus strand (GCTGAGTGTGGCGGCCCAAGAGGCTGCGCG on the coding strand, the reverse complement: PLEC is on the minus strand); deleting any 30 consecutive bases within chr8:143,923,054-143,923,088 gives the same sequence; the c. name uses the placement nearest the transcript's 3' end. VCF-style (leftmost placement, unchanged base first): chr8-143923053-TCGCGCAGCCTCTTGGGCCGCCACACTCAGC-T. GRCh37 (hg19) VCF-style: chr8-144997221-TCGCGCAGCCTCTTGGGCCGCCACACTCAGC-T.
Other names: c.6927_6956del, p.Ser2311_Leu2320del (NM_000445.5); c.6804_6833del, p.Ser2270_Leu2279del (NM_201378.4); c.6780_6809del, p.Ser2262_Leu2271del (NM_201379.3); c.7257_7286del, p.Ser2421_Leu2430del (NM_201380.4); c.6750_6779del, p.Ser2252_Leu2261del (NM_201381.3); c.6846_6875del, p.Ser2284_Leu2293del (NM_201382.4); c.6858_6887del, p.Ser2288_Leu2297del (NM_201383.3).
Identifiers: ClinVar variation 2435008 (VCV002435008.4), dbSNP rs2537683823, ClinGen allele CA2580078733.

ClinVar aggregate classification (germline): Uncertain significance. Review status: criteria provided, multiple submitters, no conflicts (2 of 4 stars). 2 submissions from 2 submitters: Uncertain significance (2). Last evaluated 2025-06-04.

Conditions:
Epidermolysis bullosa simplex 5B, with muscular dystrophy (EBS5B). Also called: EPIDERMOLYSIS BULLOSA SIMPLEX AND LIMB-GIRDLE MUSCULAR DYSTROPHY; Epidermolysis bullosa simplex with muscular dystrophy. Identifiers: Orphanet 257, MedGen C2931072, MONDO:0009181, OMIM 226670.
Epidermolysis bullosa simplex with nail dystrophy (EBS5D). Identifiers: MedGen C4225309, MONDO:0014661, OMIM 616487.
Epidermolysis bullosa simplex 5C, with pyloric atresia (EBS5C). Also called: PLEC-Related Epidermolysis Bullosa with Pyloric Atresia; Epidermolysis bullosa simplex with pyloric atresia; PLEC1-Related Epidermolysis Bullosa with Pyloric Atresia. Identifiers: Orphanet 158684, MedGen C2677349, MONDO:0012807, OMIM 612138.
Autosomal recessive limb-girdle muscular dystrophy type 2Q (LGMDR17). Also called: MUSCULAR DYSTROPHY, LIMB-GIRDLE, AUTOSOMAL RECESSIVE 17. Identifiers: Orphanet 254361, MedGen C3150989, MONDO:0013390, OMIM 613723.
Epidermolysis bullosa simplex, Ogna type (EBS5A). Also called: EPIDERMOLYSIS BULLOSA SIMPLEX 5A, OGNA TYPE; Pidermolysis bullosa simplex 5A, Ogna type. Identifiers: Orphanet 79401, MedGen C0432317, MONDO:0007555, OMIM 131950.

Submissions (2):

Labcorp Genetics (formerly Invitae), Labcorp
Classification: Uncertain significance for Autosomal recessive limb-girdle muscular dystrophy type 2Q; Epidermolysis bullosa simplex, Ogna type; Epidermolysis bullosa simplex with nail dystrophy; Epidermolysis bullosa simplex 5C, with pyloric atresia; Epidermolysis bullosa simplex 5B, with muscular dystrophy. Last evaluated: 2025-06-04. Review status: criteria provided, single submitter. Criteria: Invitae Variant Classification Sherloc (09022015). Collection method: clinical testing. Allele origin: germline.
Comment: This variant, c.6927_6956del, results in the deletion of 10 amino acid(s) of the PLEC protein (p.Ser2311_Leu2320del), but otherwise preserves the integrity of the reading frame. This variant is not present in population databases (gnomAD no frequency). This variant has not been reported in the literature in individuals affected with PLEC-related conditions. ClinVar contains an entry for this variant (Variation ID: 2435008). Experimental studies and prediction algorithms are not available or were not evaluated, and the functional significance of this variant is currently unknown. In summary, the available evidence is currently insufficient to determine the role of this variant in disease. Therefore, it has been classified as a Variant of Uncertain Significance.

Revvity Omics, Revvity
Classification: Uncertain significance. Last evaluated: 2021-05-13. Review status: criteria provided, single submitter. Criteria: ACMG Guidelines, 2015. Collection method: clinical testing. Allele origin: germline.